The following is an entry in ClinVar:

NM_001355436.2(SPTB):c.2435A>C (p.Glu812Ala)

Gene: SPTB (spectrin beta, erythrocytic; minus strand). Cytogenetic location: 14q23.3.
Variant type: single nucleotide variant.
Coding change: c.2435A>C on transcript NM_001355436.2 (MANE Select); coding-DNA position 2435, A replaced by C.
Protein change: p.Glu812Ala; replaces glutamic acid 812 with alanine.
Molecular consequence: missense variant.
Genome position (GRCh38, 1-based): chr14:64,793,228, T>G on the plus strand (A>C on the coding strand, the complement: SPTB is on the minus strand). VCF-style: chr14-64793228-T-G. GRCh37 (hg19) VCF-style: chr14-65259946-T-G.
Other names: NM_000347.5:c.2435A>C; c.2435A>C, p.Glu812Ala (NM_001355437.2, NM_001024858.4); short protein forms E812A.
Identifiers: ClinVar variation 1330759 (VCV001330759.12), dbSNP rs144888014, ClinGen allele CA7230872.

ClinVar aggregate classification (germline): Conflicting classifications of pathogenicity. Review status: criteria provided, conflicting classifications (1 of 4 stars). 3 submissions from 3 submitters: Uncertain significance (2); Likely benign (1). Last evaluated 2024-11-25.

Conditions:
Inborn genetic diseases. Identifiers: MedGen C0950123, MeSH D030342.

Allele frequency attached by ClinVar (database versions not stated): gnomAD exomes 0.00001 and 0.00002; ExAC 0.00005; gnomAD 0.00005; TOPMed 0.00009; 1000 Genomes Project 30x 0.00016; 1000 Genomes Project 0.00020; ESP Exome Variant Server 0.00023.

Submissions (3):

Labcorp Genetics (formerly Invitae), Labcorp
Classification: Uncertain significance. Last evaluated: 2024-11-25. Review status: criteria provided, single submitter. Criteria: Invitae Variant Classification Sherloc (09022015). Collection method: clinical testing. Allele origin: germline.
Comment: This sequence change replaces glutamic acid, which is acidic and polar, with alanine, which is neutral and non-polar, at codon 812 of the SPTB protein (p.Glu812Ala). This variant is present in population databases (rs144888014, gnomAD 0.03%). This variant has not been reported in the literature in individuals affected with SPTB-related conditions. ClinVar contains an entry for this variant (Variation ID: 1330759). An algorithm developed to predict the effect of missense changes on protein structure and function (PolyPhen-2) suggests that this variant is likely to be disruptive. In summary, the available evidence is currently insufficient to determine the role of this variant in disease. Therefore, it has been classified as a Variant of Uncertain Significance.

Ambry Genetics
Classification: Uncertain significance for Inborn genetic diseases. Last evaluated: 2022-11-01. Review status: criteria provided, single submitter. Criteria: Ambry Variant Classification Scheme 2023. Collection method: clinical testing. Allele origin: germline.

ARUP Laboratories, Molecular Genetics and Genomics, ARUP Laboratories
Classification: Likely benign. Last evaluated: 2021-06-16. Review status: criteria provided, single submitter. Criteria: ARUP Molecular Germline Variant Investigation Process 2021. Collection method: clinical testing. Allele origin: germline.